The following is an entry in ClinVar:

ClinVar aggregate classification (germline): Uncertain significance (1 of 4 stars; one submission).

Conditions:
Joubert syndrome 15 (JBTS15). Identifiers: Orphanet 475, MedGen C3280897, MONDO:0013763, OMIM 614464.

Allele frequency attached by ClinVar (database versions not stated): ExAC 0.00001; gnomAD 0.00001; TOPMed 0.00001; gnomAD exomes 0.00002 and 0.00005.
gnomAD v4.1: 80 of 1,583,550 alleles (0.0051%); highest among the groups gnomAD compares: Non-Finnish European, 0.0065%; no homozygotes.

Submission:

Labcorp Genetics (formerly Invitae), Labcorp
Classification: Uncertain significance for Joubert syndrome 15. Last evaluated: 2022-07-06. Review status: criteria provided, single submitter. Criteria: Invitae Variant Classification Sherloc (09022015). Collection method: clinical testing. Allele origin: germline.
Comment: This sequence change falls in intron 3 of the CEP41 gene. It does not directly change the encoded amino acid sequence of the CEP41 protein. It affects a nucleotide within the consensus splice site. This variant is present in population databases (rs782008140, gnomAD 0.004%). This variant has not been reported in the literature in individuals affected with CEP41-related conditions. ClinVar contains an entry for this variant (Variation ID: 1055741). Variants that disrupt the consensus splice site are a relatively common cause of aberrant splicing (PMID: 17576681, 9536098). Algorithms developed to predict the effect of sequence changes on RNA splicing suggest that this variant is not likely to affect RNA splicing. In summary, the available evidence is currently insufficient to determine the role of this variant in disease. Therefore, it has been classified as a Variant of Uncertain Significance.

Literature cited by the submitters: PubMed 17576681; PubMed 9536098.

NM_018718.3(CEP41):c.145+3A>G

Gene: CEP41 (centrosomal protein 41; minus strand). Cytogenetic location: 7q32.2.
Variant type: single nucleotide variant.
Coding change: c.145+3A>G on transcript NM_018718.3 (MANE Select); 3 bases into the intron after coding-DNA position 145, A replaced by G.
Molecular consequence: intron variant.
Genome position (GRCh38, 1-based): chr7:130,416,916, T>C on the plus strand (A>G on the coding strand, the complement: CEP41 is on the minus strand). VCF-style: chr7-130416916-T-C. GRCh37 (hg19) VCF-style: chr7-130056757-T-C.
Other names: c.98-4676A>G (NM_001257159.2); c.145+3A>G (NM_001257158.2).
Identifiers: ClinVar variation 1055741 (VCV001055741.4), dbSNP rs782008140, ClinGen allele CA4485676.